The following is an entry in ClinVar:

NM_000268.4(NF2):c.599+5G>A

Gene: NF2 (NF2, moesin-ezrin-radixin like (MERLIN) tumor suppressor; plus strand). Cytogenetic location: 22q12.2.
Variant type: single nucleotide variant.
Coding change: c.599+5G>A on transcript NM_000268.4 (MANE Select); 5 bases into the intron after coding-DNA position 599, G replaced by A.
Molecular consequence: intron variant.
Genome position (GRCh38, 1-based): chr22:29,655,681, G>A. VCF-style: chr22-29655681-G-A. GRCh37 (hg19) VCF-style: chr22-30051670-G-A.
Other names: c.599+5G>A (NM_016418.5, NM_181832.3, NM_181825.3); c.447+13396G>A (NM_181833.3); c.476+5G>A (NM_181829.3); c.473+5G>A (NM_181828.3); c.350+5G>A (NM_181830.3, NM_181831.3).
Identifiers: ClinVar variation 826101 (VCV000826101.14), dbSNP rs1601613749, ClinGen allele CA915951372.
Genomic context (GRCh38, chr22:29,655,681, plus strand): 5'-GAAATGTGGGAGGAGAGAATTACTGCTTGGTACGCAGAGCACCGAGGCCGAGCCAGGTGA[G>A]GCCCATTCATTGTTGGTTTACATTCCTTTATGGGCTTTTTTTTTTTTTTTTGCCTTAAAG-3'

ClinVar aggregate classification (germline): Conflicting classifications of pathogenicity. Review status: criteria provided, conflicting classifications (1 of 4 stars). 3 submissions from 3 submitters: Uncertain significance (2); Likely benign (1). Last evaluated 2025-09-15.

Conditions:
Hereditary cancer-predisposing syndrome. Also called: Tumor predisposition; Hereditary Cancer Syndrome; Hereditary neoplastic syndrome; Neoplastic Syndromes, Hereditary. Identifiers: Orphanet 140162, MedGen C0027672, MeSH D009386, MONDO:0015356.
Neurofibromatosis, type 2 (SWNV). Also called: BILATERAL ACOUSTIC NEUROFIBROMATOSIS; SCHWANNOMATOSIS, VESTIBULAR; NF2-Related Schwannomatosis. Identifiers: Orphanet 637, MedGen C0027832, MONDO:0007039, OMIM 101000. Disease mechanism: loss of function.

Submissions (3):

Labcorp Genetics (formerly Invitae), Labcorp
Classification: Likely benign for Neurofibromatosis, type 2. Last evaluated: 2025-09-15. Review status: criteria provided, single submitter. Criteria: Invitae Variant Classification Sherloc (09022015). Collection method: clinical testing. Allele origin: germline.

Ambry Genetics
Classification: Uncertain significance for Hereditary cancer-predisposing syndrome. Last evaluated: 2023-03-03. Review status: criteria provided, single submitter. Criteria: Ambry Variant Classification Scheme 2023. Collection method: clinical testing. Allele origin: germline.
Comment: The c.599+5G>A intronic variant results from a G to A substitution 5 nucleotides after coding exon 6 in the NF2 gene. This nucleotide position is highly conserved in available vertebrate species. In silico splice site analysis predicts that this alteration will not have any significant effect on splicing. Since supporting evidence is limited at this time, the clinical significance of this alteration remains unclear.

Genome-Nilou Lab
Classification: Uncertain significance for Neurofibromatosis, type 2. Last evaluated: 2021-11-07. Review status: criteria provided, single submitter. Criteria: ACMG Guidelines, 2015. Collection method: clinical testing. Allele origin: germline. Affected: no.